The following is an entry in ClinVar:

ClinVar aggregate classification (germline): Pathogenic (1 of 4 stars; one submission).

Allele frequency attached by ClinVar (database versions not stated): ExAC 0.00004; gnomAD 0.00005; TOPMed 0.00007; ESP Exome Variant Server 0.00008.
gnomAD v4.1: 198 of 1,613,798 alleles (0.012%); highest among the groups gnomAD compares: Non-Finnish European, 0.016%; no homozygotes.

Submission:

Labcorp Genetics (formerly Invitae), Labcorp
Classification: Pathogenic. Last evaluated: 2022-02-27. Review status: criteria provided, single submitter. Criteria: Invitae Variant Classification Sherloc (09022015). Collection method: clinical testing. Allele origin: germline.
Comment: This sequence change creates a premature translational stop signal (p.Tyr65*) in the GALM gene. It is expected to result in an absent or disrupted protein product. Loss-of-function variants in GALM are known to be pathogenic (PMID: 30451973). This variant is present in population databases (rs367911059, gnomAD 0.01%). This variant has not been reported in the literature in individuals affected with GALM-related conditions. For these reasons, this variant has been classified as Pathogenic. Studies have shown that this premature translational stop signal alters GALM gene expression (PMID: 30910422).

Literature cited by the submitters: PubMed 30451973; PubMed 30910422.

NM_138801.3(GALM):c.195C>A (p.Tyr65Ter)

Gene: GALM (galactose mutarotase; plus strand). Cytogenetic location: 2p22.1.
Variant type: single nucleotide variant.
Coding change: c.195C>A on transcript NM_138801.3 (MANE Select); coding-DNA position 195, C replaced by A.
Protein change: p.Tyr65Ter; replaces tyrosine 65 with a stop codon.
Molecular consequence: nonsense.
Genome position (GRCh38, 1-based): chr2:38,675,916, C>A. VCF-style: chr2-38675916-C-A. GRCh37 (hg19) VCF-style: chr2-38903058-C-A.
Other names: short protein forms Y65*.
Identifiers: ClinVar variation 2414354 (VCV002414354.5), dbSNP rs367911059, ClinGen allele CA1621432.